The following is an entry in ClinVar:

ClinVar aggregate classification (germline): Uncertain significance (1 of 4 stars; one submission).

Submission:

Ambry Genetics
Classification: Uncertain significance. Last evaluated: 2025-09-20. Review status: criteria provided, single submitter. Criteria: Ambry Variant Classification Scheme 2023. Collection method: clinical testing. Allele origin: germline.
Comment: The p.S366G variant (also known as c.1096A>G), located in coding exon 1 of the TET2 gene, results from an A to G substitution at nucleotide position 1096. The serine at codon 366 is replaced by glycine, an amino acid with similar properties. This amino acid position is conserved. In addition, this alteration is predicted to be tolerated by in silico analysis. Based on the available evidence, the clinical significance of this variant remains unclear.

NM_001127208.3(TET2):c.1096A>G (p.Ser366Gly)

Genes: TET2 (tet methylcytosine dioxygenase 2; plus strand), TET2-AS1 (TET2 antisense RNA 1; minus strand). Cytogenetic location: 4q24.
Variant type: single nucleotide variant.
Coding change: c.1096A>G on transcript NM_001127208.3 (MANE Select); coding-DNA position 1096, A replaced by G.
Protein change: p.Ser366Gly; replaces serine 366 with glycine.
Molecular consequence: missense variant.
Genome position (GRCh38, 1-based): chr4:105,235,038, A>G. VCF-style: chr4-105235038-A-G. GRCh37 (hg19) VCF-style: chr4-106156195-A-G.
Other names: c.1096A>G, p.Ser366Gly (NM_017628.4); short protein forms S366G.
Identifiers: ClinVar variation 4594120 (VCV004594120.1).